The following is an entry in ClinVar:

NM_007194.4(CHEK2):c.1209G>A (p.Gly403=)

Gene: CHEK2 (checkpoint kinase 2; minus strand). Cytogenetic location: 22q12.1.
Variant type: single nucleotide variant.
Coding change: c.1209G>A on transcript NM_007194.4 (MANE Select); coding-DNA position 1209, G replaced by A.
Protein change: p.Gly403=; no amino-acid change (glycine 403 retained).
Molecular consequence: synonymous variant.
Genome position (GRCh38, 1-based): chr22:28,695,760, C>T on the plus strand (G>A on the coding strand, the complement: CHEK2 is on the minus strand). VCF-style: chr22-28695760-C-T. GRCh37 (hg19) VCF-style: chr22-29091748-C-T.
Other names: c.1338G>A, p.Gly446= (NM_001005735.3); c.546G>A, p.Gly182= (NM_001257387.3); c.1008G>A, p.Gly336= (NM_001349956.3); c.1122G>A, p.Gly374= (NM_145862.3).
Identifiers: ClinVar variation 483380 (VCV000483380.18), dbSNP rs1350419049, ClinGen allele CA513944881.
Genomic context (GRCh38, chr22:28,695,760, plus strand): 5'-TATTTCTTACCAGATAAAAAGAATAACTCCTAAACTCCAGCAGTCCACAGCACGGTTATA[C>T]CCAGCAGTCCCAACAGAAACAAGAACTTCAGGCGCCAAGTAGGTGGGGGTTCCACATAAG-3'
Protein context (NP_009125.1, residues 393-413): PEVLVSVGTA[Gly403=]YNRAVDCWSL

ClinVar aggregate classification (germline): Benign/Likely benign. Review status: criteria provided, multiple submitters, no conflicts (2 of 4 stars). 4 submissions from 4 submitters: Benign (1); Likely benign (3). Last evaluated 2026-01-27.

Conditions:
Familial cancer of breast. Also called: BREAST CANCER, FAMILIAL; Hereditary breast cancer; hereditary breast carcinoma. Identifiers: Orphanet 227535, MedGen C0346153, MONDO:0016419, OMIM 114480. Disease mechanism: loss of function.
Hereditary cancer-predisposing syndrome. Also called: Neoplastic Syndromes, Hereditary; Tumor predisposition; Hereditary Cancer Syndrome; Hereditary neoplastic syndrome. Identifiers: Orphanet 140162, MedGen C0027672, MeSH D009386, MONDO:0015356.

Allele frequency attached by ClinVar (database versions not stated): gnomAD exomes below 0.00001; TOPMed 0.00001.
gnomAD v4.1: 2 of 1,613,784 alleles (0.00012%); highest among the groups gnomAD compares: Admixed American, 0.0033%; no homozygotes.

Submissions (4):

Labcorp Genetics (formerly Invitae), Labcorp
Classification: Likely benign for Familial cancer of breast. Last evaluated: 2026-01-27. Review status: criteria provided, single submitter. Criteria: Invitae Variant Classification Sherloc (09022015). Collection method: clinical testing. Allele origin: germline.

Myriad Genetics, Inc.
Classification: Benign for Familial cancer of breast. Last evaluated: 2024-10-07. Review status: criteria provided, single submitter. Criteria: Myriad Autosomal Dominant, Autosomal Recessive and X-Linked Classification Criteria (2023). Collection method: clinical testing. Allele origin: unknown.
Comment: This variant is considered benign. This variant is a silent/synonymous amino acid change and it is not expected to impact splicing.

Color Diagnostics, LLC DBA Color Health
Classification: Likely benign for Hereditary cancer-predisposing syndrome. Last evaluated: 2019-10-23. Review status: criteria provided, single submitter. Criteria: ACMG Guidelines, 2015. Collection method: clinical testing. Allele origin: germline.

Ambry Genetics
Classification: Likely benign for Hereditary cancer-predisposing syndrome. Last evaluated: 2017-01-18. Review status: criteria provided, single submitter. Criteria: Ambry Variant Classification Scheme 2023. Collection method: clinical testing. Allele origin: germline.